The following is an entry in ClinVar:

ClinVar aggregate classification (germline): Conflicting classifications of pathogenicity. Review status: criteria provided, conflicting classifications (1 of 4 stars). 2 submissions from 2 submitters: Uncertain significance (1); Likely benign (1). Last evaluated 2026-04-30.

Conditions:
Norman-Roberts syndrome (LIS2). Also called: Lissencephaly 2 (Norman-Roberts type). Identifiers: Orphanet 89844, MedGen C0796089, MONDO:0009760, OMIM 257320.
Familial temporal lobe epilepsy 7. Identifiers: Orphanet 101046, MedGen C4225327, MONDO:0014639, OMIM 616436.

Allele frequency attached by ClinVar (database versions not stated): gnomAD 0.00004 and 0.00005; TOPMed 0.00004; gnomAD exomes 0.00002; ExAC 0.00003.
gnomAD v4.1: 33 of 1,613,518 alleles (0.002%); highest among the groups gnomAD compares: East Asian, 0.0045%; no homozygotes.

Submissions (2):

GeneDx
Classification: Uncertain significance. Last evaluated: 2026-04-30. Review status: criteria provided, single submitter. Criteria: GeneDx Variant Classification Process June 2021. Collection method: clinical testing. Allele origin: germline.
Comment: Not observed at significant frequency in large population cohorts (gnomAD); In silico analysis suggests that this missense variant does not alter protein structure/function; Has not been previously published as pathogenic or benign to our knowledge

Labcorp Genetics (formerly Invitae), Labcorp
Classification: Likely benign for Familial temporal lobe epilepsy 7; Norman-Roberts syndrome. Last evaluated: 2025-06-15. Review status: criteria provided, single submitter. Criteria: Invitae Variant Classification Sherloc (09022015). Collection method: clinical testing. Allele origin: germline.

NM_005045.4(RELN):c.6274G>A (p.Val2092Met)

Gene: RELN (reelin; minus strand). Cytogenetic location: 7q22.1.
Variant type: single nucleotide variant.
Coding change: c.6274G>A on transcript NM_005045.4 (MANE Select); coding-DNA position 6274, G replaced by A.
Protein change: p.Val2092Met; replaces valine 2092 with methionine.
Molecular consequence: missense variant.
Genome position (GRCh38, 1-based): chr7:103,551,095, C>T on the plus strand (G>A on the coding strand, the complement: RELN is on the minus strand). VCF-style: chr7-103551095-C-T. GRCh37 (hg19) VCF-style: chr7-103191542-C-T.
Other names: c.6274G>A, p.Val2092Met (NM_173054.3); short protein forms V2092M.
Identifiers: ClinVar variation 566763 (VCV000566763.10), dbSNP rs752081680, ClinGen allele CA4420992.